The following is an entry in ClinVar:

ClinVar aggregate classification (germline): Uncertain significance (1 of 4 stars; one submission).

Submission:

Labcorp Genetics (formerly Invitae), Labcorp
Classification: Uncertain significance. Last evaluated: 2024-10-23. Review status: criteria provided, single submitter. Criteria: Invitae Variant Classification Sherloc (09022015). Collection method: clinical testing. Allele origin: germline.
Comment: This sequence change falls in intron 9 of the PCK2 gene. It does not directly change the encoded amino acid sequence of the PCK2 protein. It affects a nucleotide within the consensus splice site. This variant is not present in population databases (gnomAD no frequency). This variant has not been reported in the literature in individuals affected with PCK2-related conditions. Variants that disrupt the consensus splice site are a relatively common cause of aberrant splicing (PMID: 17576681, 9536098). Algorithms developed to predict the effect of sequence changes on RNA splicing suggest that this variant may disrupt the consensus splice site. In summary, the available evidence is currently insufficient to determine the role of this variant in disease. Therefore, it has been classified as a Variant of Uncertain Significance.

Literature cited by the submitters: PubMed 17576681; PubMed 9536098.

NM_004563.4(PCK2):c.1469-2A>T

Genes: NRL (neural retina leucine zipper; minus strand), PCK2 (phosphoenolpyruvate carboxykinase 2, mitochondrial; plus strand). Cytogenetic location: 14q12.
Variant type: single nucleotide variant.
Coding change: c.1469-2A>T on transcript NM_004563.4 (MANE Select); the canonical splice acceptor site of the intron before coding-DNA position 1469, A replaced by T.
Molecular consequence: splice acceptor variant. On other transcripts: intron variant (3).
Genome position (GRCh38, 1-based): chr14:24,103,508, A>T. VCF-style: chr14-24103508-A-T. GRCh37 (hg19) VCF-style: chr14-24572717-A-T.
Other names: c.-28+11214T>A (NM_001354768.3, NM_001354770.2); c.-254+11214T>A (NM_006177.5); c.1067-2A>T (NM_001308054.2, NM_001291556.2).
Identifiers: ClinVar variation 2768529 (VCV002768529.3), dbSNP rs2502678122, ClinGen allele CA389205974.